The following is an entry in ClinVar:

ClinVar aggregate classification (germline): Uncertain significance. Review status: criteria provided, multiple submitters, no conflicts (2 of 4 stars). 4 submissions from 4 submitters: Uncertain significance (4). Last evaluated 2025-02-27.

Conditions:
Hereditary cancer-predisposing syndrome. Also called: Hereditary Cancer Syndrome; Hereditary neoplastic syndrome; Neoplastic Syndromes, Hereditary; Tumor predisposition. Identifiers: Orphanet 140162, MedGen C0027672, MeSH D009386, MONDO:0015356.
Intellectual disability, autosomal dominant 16 (CSS4). Also called: COFFIN-SIRIS SYNDROME 4. Identifiers: Orphanet 1465, MedGen C3553249, MONDO:0013821, OMIM 614609.
Rhabdoid tumor predisposition syndrome 2 (RTPS2). Identifiers: Orphanet 231108, Orphanet 69077, MedGen C2750074, MONDO:0013224, OMIM 613325.

Allele frequency attached by ClinVar (database versions not stated): gnomAD exomes below 0.00001; TOPMed below 0.00001.
gnomAD v4.1: 6 of 1,613,852 alleles (0.00037%); highest among the groups gnomAD compares: Non-Finnish European, 0.00025%; no homozygotes.

Submissions (4):

Labcorp Genetics (formerly Invitae), Labcorp
Classification: Uncertain significance for Rhabdoid tumor predisposition syndrome 2. Last evaluated: 2025-02-27. Review status: criteria provided, single submitter. Criteria: Invitae Variant Classification Sherloc (09022015). Collection method: clinical testing. Allele origin: germline.
Comment: This sequence change replaces proline, which is neutral and non-polar, with serine, which is neutral and polar, at codon 143 of the SMARCA4 protein (p.Pro143Ser). This variant is not present in population databases (gnomAD no frequency). This variant has not been reported in the literature in individuals affected with SMARCA4-related conditions. ClinVar contains an entry for this variant (Variation ID: 408628). Invitae Evidence Modeling of protein sequence and biophysical properties (such as structural, functional, and spatial information, amino acid conservation, physicochemical variation, residue mobility, and thermodynamic stability) indicates that this missense variant is not expected to disrupt SMARCA4 protein function with a negative predictive value of 95%. In summary, the available evidence is currently insufficient to determine the role of this variant in disease. Therefore, it has been classified as a Variant of Uncertain Significance.

Baylor Genetics
Classification: Uncertain significance for Rhabdoid tumor predisposition syndrome 2. Last evaluated: 2024-02-18. Review status: criteria provided, single submitter. Criteria: ACMG Guidelines, 2015. Collection method: clinical testing. Allele origin: unknown.

Ambry Genetics
Classification: Uncertain significance for Hereditary cancer-predisposing syndrome. Last evaluated: 2023-05-25. Review status: criteria provided, single submitter. Criteria: Ambry Variant Classification Scheme 2023. Collection method: clinical testing. Allele origin: germline.
Comment: The p.P143S variant (also known as c.427C>T), located in coding exon 3 of the SMARCA4 gene, results from a C to T substitution at nucleotide position 427. The proline at codon 143 is replaced by serine, an amino acid with similar properties. This amino acid position is highly conserved in available vertebrate species. In addition, the in silico prediction for this alteration is inconclusive. Missense and in-frame variants in SMARCA4 are known to cause neurodevelopmental disorders; however, such associations with rhabdoid tumor predisposition syndrome including small cell carcinoma of the ovary-hypercalcemic type (SCCOHT) are exceedingly rare (Kosho T et al. Am J Med Genet C Semin Med Genet. 2014 Sep;166C(3):262-75; Jelinic P et al. Nat Genet. 2014 May;46(5):424-6). Based on the supporting evidence, the association of this alteration with Coffin-Siris syndrome is unknown; however, the association of this alteration with rhabdoid tumor predisposition syndrome is unlikely.

Genome-Nilou Lab
Classification: Uncertain significance for Intellectual disability, autosomal dominant 16. Last evaluated: 2021-07-15. Review status: criteria provided, single submitter. Criteria: ACMG Guidelines, 2015. Collection method: clinical testing. Allele origin: germline. Affected: no.

NM_003072.5(SMARCA4):c.427C>T (p.Pro143Ser)

Gene: SMARCA4 (SWI/SNF related BAF chromatin remodeling complex subunit ATPase 4; plus strand). Cytogenetic location: 19p13.2.
Variant type: single nucleotide variant.
Coding change: c.427C>T on transcript NM_003072.5 (MANE Select); coding-DNA position 427, C replaced by T.
Protein change: p.Pro143Ser; replaces proline 143 with serine.
Molecular consequence: missense variant. On other transcripts: non-coding transcript variant (1).
Genome position (GRCh38, 1-based): chr19:10,986,260, C>T. VCF-style: chr19-10986260-C-T. GRCh37 (hg19) VCF-style: chr19-11096936-C-T.
Other names: c.427C>T, p.Pro143Ser (NM_001128848.2, NM_001128849.3, NM_001374457.1 and 5 more transcripts); short protein forms P143S.
Identifiers: ClinVar variation 408628 (VCV000408628.16), dbSNP rs891010465, ClinGen allele CA16615880.